The following is an entry in ClinVar:

ClinVar aggregate classification (germline): Conflicting classifications of pathogenicity. Review status: criteria provided, conflicting classifications (1 of 4 stars). 4 submissions from 4 submitters: Uncertain significance (3); Likely benign (1). Last evaluated 2025-09-09.

Conditions:
LAMA2-related muscular dystrophy (LAMA2-RD). Also called: Laminin alpha 2-related dystrophy. Identifiers: MedGen C5679788, MONDO:0100228.
Merosin deficient congenital muscular dystrophy (MDC1A). Also called: Congenital merosin-deficient muscular dystrophy 1A; Congenital Muscular Dystrophy Type 1A (MDC1A). Identifiers: Orphanet 258, MedGen C1263858, MONDO:0011925, OMIM 607855.

Allele frequency attached by ClinVar (database versions not stated): gnomAD 0.00003 and 0.00004; gnomAD exomes 0.00004; ExAC 0.00006.
gnomAD v4.1: 38 of 1,613,956 alleles (0.0024%); highest among the groups gnomAD compares: East Asian, 0.016%; no homozygotes.

Submissions (4):

Labcorp Genetics (formerly Invitae), Labcorp
Classification: Likely benign for LAMA2-related muscular dystrophy. Last evaluated: 2025-09-09. Review status: criteria provided, single submitter. Criteria: Invitae Variant Classification Sherloc (09022015). Collection method: clinical testing. Allele origin: germline.

Blueprint Genetics
Classification: Uncertain significance. Last evaluated: 2020-07-20. Review status: criteria provided, single submitter. Criteria: ACMG Guidelines, 2015. Collection method: clinical testing. Allele origin: germline.

GeneDx
Classification: Uncertain significance. Last evaluated: 2019-01-18. Review status: criteria provided, single submitter. Criteria: GeneDx Variant Classification Process June 2021. Collection method: clinical testing. Allele origin: germline. Affected: yes.
Comment: Has not been previously published as pathogenic or benign to our knowledge; In silico analysis, which includes protein predictors and evolutionary conservation, supports a deleterious effect

Juno Genomics, Hangzhou Juno Genomics, Inc
Classification: Uncertain significance for Merosin deficient congenital muscular dystrophy. Review status: criteria provided, single submitter. Criteria: ACMG Guidelines, 2015. Collection method: clinical testing. Allele origin: germline. Affected: yes.
Comment: Absent from controls (or at extremely low frequency if recessive) in Genome Aggregation Database, Exome Sequencing Project, 1000 Genomes Project, or Exome Aggregation Consortium.;Patient's phenotype or family history is highly specific for a disease with a single genetic etiology.

NM_000426.4(LAMA2):c.521C>T (p.Thr174Met)

Gene: LAMA2 (laminin subunit alpha 2; plus strand). Cytogenetic location: 6q22.33.
Variant type: single nucleotide variant.
Coding change: c.521C>T on transcript NM_000426.4 (MANE Select); coding-DNA position 521, C replaced by T.
Protein change: p.Thr174Met; replaces threonine 174 with methionine.
Molecular consequence: missense variant.
Genome position (GRCh38, 1-based): chr6:129,098,297, C>T. VCF-style: chr6-129098297-C-T. GRCh37 (hg19) VCF-style: chr6-129419442-C-T.
Other names: c.521C>T, p.Thr174Met (NM_001079823.2); short protein forms T174M.
Identifiers: ClinVar variation 1304496 (VCV001304496.9), dbSNP rs752992990, ClinGen allele CA3992357.